The following is an entry in ClinVar:

ClinVar aggregate classification (germline): Likely benign. Review status: criteria provided, multiple submitters, no conflicts (2 of 4 stars). 5 submissions from 5 submitters: Likely benign (5). Last evaluated 2025-12-13.

Conditions:
Frontometaphyseal dysplasia (FMD1). Identifiers: Orphanet 1826, MedGen C0265293, MONDO:0015942.
Oto-palato-digital syndrome, type II (OPD2). Also called: Otopalatodigital Syndrome Type 2 (FLNA-OPD2); Otopalatodigital Syndrome, Type II; FACIOPALATOOSSEOUS SYNDROME; OPD II SYNDROME. Identifiers: Orphanet 669, Orphanet 90652, MedGen C1844696, MONDO:0010571, OMIM 304120.
Heterotopia, periventricular, X-linked dominant (PVNH1). Also called: PERIVENTRICULAR NODULAR HETEROTOPIA 4; HETEROTOPIA, PERIVENTRICULAR, 1; PERIVENTRICULAR NODULAR HETEROTOPIA 1; X-linked periventricular heterotopia. Identifiers: Orphanet 2149, Orphanet 82004, MedGen C1848213, MONDO:0010233, OMIM 300049.
Melnick-Needles syndrome (MNS). Also called: Melnick-Needles Syndrome (FLNA-MNS); MELNICK-NEEDLES OSTEODYSPLASTY; OSTEODYSPLASTY OF MELNICK AND NEEDLES. Identifiers: Orphanet 2484, MedGen C0025237, MONDO:0010650, OMIM 309350.

Allele frequency attached by ClinVar (database versions not stated): gnomAD exomes 0.00001; TOPMed 0.00002.

Submissions (5):

Labcorp Genetics (formerly Invitae), Labcorp
Classification: Likely benign for Oto-palato-digital syndrome, type II; Heterotopia, periventricular, X-linked dominant; Frontometaphyseal dysplasia; Melnick-Needles syndrome. Last evaluated: 2025-12-13. Review status: criteria provided, single submitter. Criteria: Invitae Variant Classification Sherloc (09022015). Collection method: clinical testing. Allele origin: germline.

Women's Health and Genetics/Laboratory Corporation of America, LabCorp
Classification: Likely benign. Last evaluated: 2025-09-03. Review status: criteria provided, single submitter. Criteria: LabCorp Variant Classification Summary - May 2015. Collection method: clinical testing. Allele origin: germline.
Comment: Variant summary: FLNA c.4945+8C>T alters a non-conserved nucleotide located at a position not widely known to affect splicing. Consensus agreement among computation tools predict no significant impact on normal splicing. However, these predictions have yet to be confirmed by functional studies. The variant allele was found at a frequency of 1.1e-05 in 174845 control chromosomes. The available data on variant occurrences in the general population are insufficient to allow any conclusion about variant significance. To our knowledge, no occurrence of c.4945+8C>T in individuals affected with FLNA-related conditions and no experimental evidence demonstrating its impact on protein function have been reported. ClinVar contains an entry for this variant (Variation ID: 699363). Based on the evidence outlined above, the variant was classified as likely benign.

Laboratory of Genetics, Children's Clinical University Hospital Latvia
Classification: Likely benign. Last evaluated: 2025-02-16. Review status: criteria provided, single submitter. Criteria: ACMG Guidelines, 2015. Collection method: clinical testing. Allele origin: germline. Affected: yes.

ARUP Laboratories, Molecular Genetics and Genomics, ARUP Laboratories
Classification: Likely benign. Last evaluated: 2023-05-08. Review status: criteria provided, single submitter. Criteria: ARUP Molecular Germline Variant Investigation Process 2024. Collection method: clinical testing. Allele origin: germline.

Blueprint Genetics
Classification: Likely benign. Last evaluated: 2022-09-06. Review status: criteria provided, single submitter. Criteria: ACMG Guidelines, 2015. Collection method: clinical testing. Allele origin: germline.

NM_001110556.2(FLNA):c.4945+8C>T

Gene: FLNA (filamin A; minus strand). Cytogenetic location: Xq28.
Variant type: single nucleotide variant.
Coding change: c.4945+8C>T on transcript NM_001110556.2 (MANE Select); 8 bases into the intron after coding-DNA position 4945, C replaced by T.
Molecular consequence: intron variant.
Genome position (GRCh38, 1-based): chrX:154,357,426, G>A on the plus strand (C>T on the coding strand, the complement: FLNA is on the minus strand). VCF-style: chrX-154357426-G-A. GRCh37 (hg19) VCF-style: chrX-153585794-G-A.
Other names: c.4945+8C>T (NM_001456.4).
Identifiers: ClinVar variation 699363 (VCV000699363.13), dbSNP rs1347132008, ClinGen allele CA645290534.